The following is an entry in ClinVar:

NM_203407.3(EZHIP):c.282G>T (p.Thr94=)

Gene: EZHIP (EZH inhibitory protein; plus strand). Cytogenetic location: Xp11.22.
Variant type: single nucleotide variant.
Coding change: c.282G>T on transcript NM_203407.3 (MANE Select); coding-DNA position 282, G replaced by T.
Protein change: p.Thr94=; no amino-acid change (threonine 94 retained).
Molecular consequence: synonymous variant.
Genome position (GRCh38, 1-based): chrX:51,407,298, G>T. VCF-style: chrX-51407298-G-T. GRCh37 (hg19) VCF-style: chrX-51150150-G-T.
Identifiers: ClinVar variation 2660566 (VCV002660566.24), dbSNP rs1417662562, ClinGen allele CA516682101.
Genomic context (GRCh38, chrX:51,407,298, plus strand): 5'-CGCCGCCATTTTCATCACCGATGAGGCCTCGGGGCTGCCAATCATAGCTGCTGTGCTGAC[G>T]GAGAGGCATTCTGACCGCCAGGACTGCCGCAGTCCTCACGAAGTTTTTGGGTGTGTGGTG-3'
Protein context (NP_981952.1, residues 84-104): SGLPIIAAVL[Thr94=]ERHSDRQDCR

ClinVar aggregate classification (germline): Likely benign (1 of 4 stars; one submission).

Allele frequency attached by ClinVar (database versions not stated): TOPMed below 0.00001.
gnomAD v4.1: 6 of 569,572 alleles (0.0011%); highest among the groups gnomAD compares: Non-Finnish European, 0.0019%; no homozygotes.

Submission:

CeGaT Center for Human Genetics Tuebingen
Classification: Likely benign. Last evaluated: 2022-10-01. Review status: criteria provided, single submitter. Criteria: CeGaT Center For Human Genetics Tuebingen Variant Classification Criteria Version 2. Collection method: clinical testing. Allele origin: germline. Affected: yes. Observed: 1 variant allele.
Comment: EZHIP: BP4, BP7